The following is an entry in ClinVar:

ClinVar aggregate classification (germline): Uncertain significance (1 of 4 stars; one submission).

Conditions:
Familial episodic pain syndrome with predominantly lower limb involvement. Also called: Episodic pain syndrome, familial, 3. Identifiers: Orphanet 391384, Orphanet 391392, MedGen C3809899, MONDO:0014247, OMIM 615552.
Hereditary sensory and autonomic neuropathy type 7. Also called: HSAN VII; Neuropathy, hereditary sensory and autonomic, type VII. Identifiers: Orphanet 391397, MedGen C3809882, MONDO:0014244, OMIM 615548.

Allele frequency attached by ClinVar (database versions not stated): TOPMed 0.00001.

Submission:

Labcorp Genetics (formerly Invitae), Labcorp
Classification: Uncertain significance for Familial episodic pain syndrome with predominantly lower limb involvement; Hereditary sensory and autonomic neuropathy type 7. Last evaluated: 2022-08-16. Review status: criteria provided, single submitter. Criteria: Invitae Variant Classification Sherloc (09022015). Collection method: clinical testing. Allele origin: germline.
Comment: In summary, the available evidence is currently insufficient to determine the role of this variant in disease. Therefore, it has been classified as a Variant of Uncertain Significance. Algorithms developed to predict the effect of sequence changes on RNA splicing suggest that this variant may create or strengthen a splice site. Algorithms developed to predict the effect of missense changes on protein structure and function (SIFT, PolyPhen-2, Align-GVGD) all suggest that this variant is likely to be disruptive. ClinVar contains an entry for this variant (Variation ID: 954534). This sequence change replaces asparagine, which is neutral and polar, with serine, which is neutral and polar, at codon 142 of the SCN11A protein (p.Asn142Ser). This variant has not been reported in the literature in individuals affected with SCN11A-related conditions. This variant is not present in population databases (gnomAD no frequency).

NM_001349253.2(SCN11A):c.425A>G (p.Asn142Ser)

Gene: SCN11A (sodium voltage-gated channel alpha subunit 11; minus strand). Cytogenetic location: 3p22.2.
Variant type: single nucleotide variant.
Coding change: c.425A>G on transcript NM_001349253.2 (MANE Select); coding-DNA position 425, A replaced by G.
Protein change: p.Asn142Ser; replaces asparagine 142 with serine.
Molecular consequence: missense variant.
Genome position (GRCh38, 1-based): chr3:38,945,474, T>C on the plus strand (A>G on the coding strand, the complement: SCN11A is on the minus strand). VCF-style: chr3-38945474-T-C. GRCh37 (hg19) VCF-style: chr3-38986965-T-C.
Other names: c.425A>G, p.Asn142Ser (NM_014139.3); short protein forms N142S.
Identifiers: ClinVar variation 954534 (VCV000954534.6), dbSNP rs770580650, ClinGen allele CA72990988.